The following is an entry in ClinVar:

NM_004563.4(PCK2):c.276-3C>G

Genes: NRL (neural retina leucine zipper; minus strand), PCK2 (phosphoenolpyruvate carboxykinase 2, mitochondrial; plus strand). Cytogenetic location: 14q11.2.
Variant type: single nucleotide variant.
Coding change: c.276-3C>G on transcript NM_004563.4 (MANE Select); 3 bases into the intron before coding-DNA position 276, C replaced by G.
Molecular consequence: intron variant.
Genome position (GRCh38, 1-based): chr14:24,098,200, C>G. VCF-style: chr14-24098200-C-G. GRCh37 (hg19) VCF-style: chr14-24567409-C-G.
Other names: c.-27-15325G>C (NM_001354768.3, NM_001354770.2); c.-253-13455G>C (NM_006177.5); c.-127-3C>G (NM_001308054.2, NM_001291556.2); c.276-3C>G (NM_001018073.3).
Identifiers: ClinVar variation 2072700 (VCV002072700.4), dbSNP rs368443004, ClinGen allele CA7123076.
Genomic context (GRCh38, chr14:24,098,200, plus strand): 5'-GTGGGTCTAGGGACAAGGGAAACCTGCTGGCCACCATCTTCCTGACAATCCCCTCTCCCC[C>G]AGCTGGCTGGCCCGCACAGACCCCAAGGATGTGGCACGAGTAGAGAGCAAGACGGTGATT-3'

ClinVar aggregate classification (germline): Uncertain significance (1 of 4 stars; one submission).

gnomAD v4.1: 118 of 1,591,080 alleles (0.0074%); highest among the groups gnomAD compares: Non-Finnish European, 0.0095%; no homozygotes.

Submission:

Labcorp Genetics (formerly Invitae), Labcorp
Classification: Uncertain significance. Last evaluated: 2022-04-21. Review status: criteria provided, single submitter. Criteria: Invitae Variant Classification Sherloc (09022015). Collection method: clinical testing. Allele origin: germline.
Comment: This sequence change falls in intron 2 of the PCK2 gene. It does not directly change the encoded amino acid sequence of the PCK2 protein. It affects a nucleotide within the consensus splice site. This variant is present in population databases (rs368443004, gnomAD 0.004%). This variant has not been reported in the literature in individuals affected with PCK2-related conditions. Variants that disrupt the consensus splice site are a relatively common cause of aberrant splicing (PMID: 17576681, 9536098). Algorithms developed to predict the effect of sequence changes on RNA splicing suggest that this variant may disrupt the consensus splice site. In summary, the available evidence is currently insufficient to determine the role of this variant in disease. Therefore, it has been classified as a Variant of Uncertain Significance.

Literature cited by the submitters: PubMed 17576681; PubMed 9536098.